The following is an entry in ClinVar:

ClinVar aggregate classification (germline): Benign. Review status: criteria provided, multiple submitters, no conflicts (2 of 4 stars). 2 submissions from 2 submitters: Benign (2). Last evaluated 2018-01-13.

Conditions:
Congenital brain dysgenesis due to glutamine synthetase deficiency (GLND). Also called: GLUTAMINE SYNTHASE DEFICIENCY, CONGENITAL SYSTEMIC. Identifiers: Orphanet 71278, MedGen C1864910, MONDO:0012393, OMIM 610015.

Allele frequency attached by ClinVar (database versions not stated): TOPMed 0.01183; gnomAD exomes 0.00124; gnomAD 0.01053; 1000 Genomes Project 0.01058; 1000 Genomes Project 30x 0.01062.
gnomAD v4.1: 1,943 of 399,178 alleles (0.49%); highest among the groups gnomAD compares: African/African-American, 3.6%; 27 homozygotes.

Submissions (2):

Illumina Laboratory Services, Illumina
Classification: Benign for Congenital brain dysgenesis due to glutamine synthetase deficiency. Last evaluated: 2018-01-13. Review status: criteria provided, single submitter. Criteria: ICSL Variant Classification Criteria 13 December 2019. Collection method: clinical testing. Allele origin: germline.
Comment: This variant was observed in the ICSL laboratory as part of a predisposition screen in an ostensibly healthy population. It had not been previously curated by ICSL or reported in the Human Gene Mutation Database (HGMD: prior to June 1st, 2018), and was therefore a candidate for classification through an automated scoring system. Utilizing variant allele frequency, disease prevalence and penetrance estimates, and inheritance mode, an automated score was calculated to assess if this variant is too frequent to cause the disease. Based on the score and internal cut-off values, a variant classified as benign is not then subjected to further curation. The score for this variant resulted in a classification of benign for this disease.

Breakthrough Genomics
Classification: Benign. Review status: criteria provided, single submitter. Criteria: ACMG Guidelines, 2015. Collection method: not provided. Allele origin: germline. Inheritance: Autosomal recessive inheritance. Affected: yes.

NM_001033044.4(GLUL):c.-14+892G>A

Gene: GLUL (glutamate-ammonia ligase; minus strand). Cytogenetic location: 1q25.3.
Variant type: single nucleotide variant.
Coding change: c.-14+892G>A on transcript NM_001033044.4 (MANE Select); 892 bases into the intron after 14 bases upstream of the start codon, G replaced by A.
Molecular consequence: intron variant. On other transcripts: 5 prime UTR variant (1).
Genome position (GRCh38, 1-based): chr1:182,390,787, C>T on the plus strand (G>A on the coding strand, the complement: GLUL is on the minus strand). VCF-style: chr1-182390787-C-T. GRCh37 (hg19) VCF-style: chr1-182359922-C-T.
Other names: c.-304G>A (NM_002065.7); c.-14+388G>A (NM_001033056.4).
Identifiers: ClinVar variation 293959 (VCV000293959.6), dbSNP rs192236496, ClinGen allele CA10608386.